The following is an entry in ClinVar:

NM_001134363.3(RBM20):c.1840C>T (p.His614Tyr)

Gene: RBM20 (RNA binding motif protein 20; plus strand). Cytogenetic location: 10q25.2.
Variant type: single nucleotide variant.
Coding change: c.1840C>T on transcript NM_001134363.3 (MANE Select); coding-DNA position 1840, C replaced by T.
Protein change: p.His614Tyr; replaces histidine 614 with tyrosine.
Molecular consequence: missense variant.
Genome position (GRCh38, 1-based): chr10:110,810,422, C>T. VCF-style: chr10-110810422-C-T. GRCh37 (hg19) VCF-style: chr10-112570180-C-T.
Other names: short protein forms H614Y.
Identifiers: ClinVar variation 3636970 (VCV003636970.2).

ClinVar aggregate classification (germline): Uncertain significance (1 of 4 stars; one submission).

Conditions:
Dilated cardiomyopathy 1DD (CMD1DD). Identifiers: Orphanet 154, MedGen C2750995, MONDO:0013168, OMIM 613172.

gnomAD v4.1: 3 of 1,551,480 alleles (0.00019%); highest among the groups gnomAD compares: South Asian, 0.0012%; no homozygotes.

Submission:

Labcorp Genetics (formerly Invitae), Labcorp
Classification: Uncertain significance for Dilated cardiomyopathy 1DD. Last evaluated: 2025-11-01. Review status: criteria provided, single submitter. Criteria: Invitae Variant Classification Sherloc (09022015). Collection method: clinical testing. Allele origin: germline.
Comment: This sequence change replaces histidine, which is basic and polar, with tyrosine, which is neutral and polar, at codon 614 of the RBM20 protein (p.His614Tyr). This variant is not present in population databases (gnomAD no frequency). This variant has not been reported in the literature in individuals affected with RBM20-related conditions. ClinVar contains an entry for this variant (Variation ID: 3636970). Invitae Evidence Modeling of protein sequence and biophysical properties (such as structural, functional, and spatial information, amino acid conservation, physicochemical variation, residue mobility, and thermodynamic stability) has been performed for this missense variant. However, the output from this modeling did not meet the statistical confidence thresholds required to predict the impact of this variant on RBM20 protein function. In summary, the available evidence is currently insufficient to determine the role of this variant in disease. Therefore, it has been classified as a Variant of Uncertain Significance.